The following is an entry in ClinVar:

NM_032638.5(GATA2):c.821C>T (p.Pro274Leu)

Gene: GATA2 (GATA binding protein 2; minus strand). Cytogenetic location: 3q21.3.
Variant type: single nucleotide variant.
Coding change: c.821C>T on transcript NM_032638.5 (MANE Select); coding-DNA position 821, C replaced by T.
Protein change: p.Pro274Leu; replaces proline 274 with leucine.
Molecular consequence: missense variant.
Genome position (GRCh38, 1-based): chr3:128,485,777, G>A on the plus strand (C>T on the coding strand, the complement: GATA2 is on the minus strand). VCF-style: chr3-128485777-G-A. GRCh37 (hg19) VCF-style: chr3-128204620-G-A.
Other names: c.821C>T, p.Pro274Leu (NM_001145661.2, NM_001145662.1); short protein forms P274L.
Identifiers: ClinVar variation 3241679 (VCV003241679.2), dbSNP rs2472929840.

ClinVar aggregate classification (germline): Uncertain significance. Review status: criteria provided, multiple submitters, no conflicts (2 of 4 stars). 2 submissions from 2 submitters: Uncertain significance (2). Last evaluated 2026-02-06.

Conditions:
Inborn genetic diseases. Identifiers: MedGen C0950123, MeSH D030342.
Acute myeloid leukemia (AML). Also called: Acute myeloid leukemia, adult; AML adult; Acute non-lymphocytic leukemia; Acute granulocytic leukemia; Leukemia, acute myeloid, somatic; Leukemia, acute myelogenous, somatic. Identifiers: Orphanet 519, MedGen C0023467, MeSH D015470, MONDO:0018874, OMIM 601626, HP:0004808. Disease mechanism: Constitutively activated FLT3.

Submissions (2):

Ambry Genetics
Classification: Uncertain significance for Inborn genetic diseases. Last evaluated: 2026-02-06. Review status: criteria provided, single submitter. Criteria: Ambry Variant Classification Scheme 2023. Collection method: clinical testing. Allele origin: germline.
Comment: The p.P274L variant (also known as c.821C>T), located in coding exon 2 of the GATA2 gene, results from a C to T substitution at nucleotide position 821. The proline at codon 274 is replaced by leucine, an amino acid with similar properties. This amino acid position is not well conserved in available vertebrate species. In addition, the in silico prediction for this alteration is inconclusive. Based on the available evidence, the clinical significance of this variant remains unclear.

Baylor Genetics
Classification: Uncertain significance for Acute myeloid leukemia. Last evaluated: 2024-03-22. Review status: criteria provided, single submitter. Criteria: ACMG Guidelines, 2015. Collection method: clinical testing. Allele origin: unknown.